The following is an entry in ClinVar:

NM_001379180.1(ESRRB):c.1176C>T (p.His392=)

Gene: ESRRB (estrogen related receptor beta; plus strand). Cytogenetic location: 14q24.3.
Variant type: single nucleotide variant.
Coding change: c.1176C>T on transcript NM_001379180.1 (MANE Select); coding-DNA position 1176, C replaced by T.
Protein change: p.His392=; no amino-acid change (histidine 392 retained).
Molecular consequence: synonymous variant.
Genome position (GRCh38, 1-based): chr14:76,498,269, C>T. VCF-style: chr14-76498269-C-T. GRCh37 (hg19) VCF-style: chr14-76964612-C-T.
Other names: c.1113C>T, p.His371= (NM_004452.4).
Identifiers: ClinVar variation 178343 (VCV000178343.12), dbSNP rs370193367, ClinGen allele CA182145.
Genomic context (GRCh38, chr14:76,498,269, plus strand): 5'-TGCAGATTCCATGTACATCGAGGATCTAGAGGCTGTCCAGAAGCTGCAGGACCTGCTGCA[C>T]GAGGCACTGCAGGACTACGAGCTGAGCCAGCGCCATGAGGAGCCCTGGAGGACGGGCAAG-3'
Protein context (NP_001366109.1, residues 382-402): EAVQKLQDLL[His392=]EALQDYELSQ

ClinVar aggregate classification (germline): Conflicting classifications of pathogenicity. Review status: criteria provided, conflicting classifications (1 of 4 stars). 3 submissions from 3 submitters: Uncertain significance (1); Likely benign (2). Last evaluated 2023-07-17.

Conditions:
Autosomal recessive nonsyndromic hearing loss 35. Identifiers: Orphanet 90636, MedGen C1837857, MONDO:0012060, OMIM 608565.

Allele frequency attached by ClinVar (database versions not stated): ExAC 0.00004; gnomAD exomes 0.00004; TOPMed 0.00011; ESP Exome Variant Server 0.00015; gnomAD 0.00016.
gnomAD v4.1: 96 of 1,613,622 alleles (0.0059%); highest among the groups gnomAD compares: African/African-American, 0.048%; no homozygotes.

Submissions (3):

Labcorp Genetics (formerly Invitae), Labcorp
Classification: Likely benign. Last evaluated: 2023-07-17. Review status: criteria provided, single submitter. Criteria: Invitae Variant Classification Sherloc (09022015). Collection method: clinical testing. Allele origin: germline.

Illumina Laboratory Services, Illumina
Classification: Uncertain significance for Autosomal recessive nonsyndromic hearing loss 35. Last evaluated: 2018-01-13. Review status: criteria provided, single submitter. Criteria: ICSL Variant Classification Criteria 13 December 2019. Collection method: clinical testing. Allele origin: germline.

Laboratory for Molecular Medicine, Mass General Brigham Personalized Medicine
Classification: Likely benign. Last evaluated: 2012-04-30. Review status: criteria provided, single submitter. Criteria: LMM Criteria. Collection method: clinical testing. Allele origin: germline. Observed: 1 variant allele.
Comment: p.His371His in exon 09 of ESRRB: This variant is not expected to have clinical s ignificance because it does not alter an amino acid residue, is not located with in the splice consensus sequence, and has been identified in 2/8598 European Ame rican chromosomes by the NHLBI Exome Sequencing Project (n.edu/EVS; dbSNP rs370193367).